The following is an entry in ClinVar:

NM_172362.3(KCNH1):c.1718G>T (p.Arg573Leu)

Gene: KCNH1 (potassium voltage-gated channel subfamily H member 1; minus strand). Cytogenetic location: 1q32.2.
Variant type: single nucleotide variant.
Coding change: c.1718G>T on transcript NM_172362.3 (MANE Select); coding-DNA position 1718, G replaced by T.
Protein change: p.Arg573Leu; replaces arginine 573 with leucine.
Molecular consequence: missense variant.
Genome position (GRCh38, 1-based): chr1:210,797,705, C>A on the plus strand (G>T on the coding strand, the complement: KCNH1 is on the minus strand). VCF-style: chr1-210797705-C-A. GRCh37 (hg19) VCF-style: chr1-210971047-C-A.
Other names: c.1637G>T, p.Arg546Leu (NM_002238.4); short protein forms R546L, R573L.
Identifiers: ClinVar variation 1518961 (VCV001518961.8), dbSNP rs1298982867, ClinGen allele CA344872763.

ClinVar aggregate classification (germline): Uncertain significance (1 of 4 stars; one submission).

Allele frequency attached by ClinVar (database versions not stated): gnomAD exomes below 0.00001.
gnomAD v4.1: 16 of 1,614,166 alleles (0.00099%); highest among the groups gnomAD compares: Non-Finnish European, 0.0014%; no homozygotes.

Submission:

Labcorp Genetics (formerly Invitae), Labcorp
Classification: Uncertain significance. Last evaluated: 2023-02-11. Review status: criteria provided, single submitter. Criteria: Invitae Variant Classification Sherloc (09022015). Collection method: clinical testing. Allele origin: germline.
Comment: This sequence change replaces arginine, which is basic and polar, with leucine, which is neutral and non-polar, at codon 573 of the KCNH1 protein (p.Arg573Leu). The frequency data for this variant in the population databases is considered unreliable, as metrics indicate poor data quality at this position in the gnomAD database. This variant has not been reported in the literature in individuals affected with KCNH1-related conditions. ClinVar contains an entry for this variant (Variation ID: 1518961). Advanced modeling of protein sequence and biophysical properties (such as structural, functional, and spatial information, amino acid conservation, physicochemical variation, residue mobility, and thermodynamic stability) has been performed at Invitae for this missense variant, however the output from this modeling did not meet the statistical confidence thresholds required to predict the impact of this variant on KCNH1 protein function. In summary, the available evidence is currently insufficient to determine the role of this variant in disease. Therefore, it has been classified as a Variant of Uncertain Significance.